The following is an entry in ClinVar:

NM_000081.4(LYST):c.2813G>T (p.Ser938Ile)

Gene: LYST (lysosomal trafficking regulator; minus strand). Cytogenetic location: 1q42.3.
Variant type: single nucleotide variant.
Coding change: c.2813G>T on transcript NM_000081.4 (MANE Select); coding-DNA position 2813, G replaced by T.
Protein change: p.Ser938Ile; replaces serine 938 with isoleucine.
Molecular consequence: missense variant.
Genome position (GRCh38, 1-based): chr1:235,806,323, C>A on the plus strand (G>T on the coding strand, the complement: LYST is on the minus strand). VCF-style: chr1-235806323-C-A. GRCh37 (hg19) VCF-style: chr1-235969623-C-A.
Other names: c.2813G>T, p.Ser938Ile (NM_001301365.1); short protein forms S938I.
Identifiers: ClinVar variation 2156593 (VCV002156593.4), dbSNP rs747587113, ClinGen allele CA1467206.

ClinVar aggregate classification (germline): Uncertain significance (1 of 4 stars; one submission).

Conditions:
Chédiak-Higashi syndrome (CHS). Also called: Chediak-Higashi Syndrome. Identifiers: Orphanet 167, MedGen C0007965, MONDO:0008963, OMIM 214500.

Allele frequency attached by ClinVar (database versions not stated): gnomAD 0.00001; TOPMed 0.00001; ExAC 0.00003.
gnomAD v4.1: 6 of 1,613,916 alleles (0.00037%); highest among the groups gnomAD compares: East Asian, 0.011%; no homozygotes.

Submission:

Labcorp Genetics (formerly Invitae), Labcorp
Classification: Uncertain significance for Chédiak-Higashi syndrome. Last evaluated: 2024-04-15. Review status: criteria provided, single submitter. Criteria: Invitae Variant Classification Sherloc (09022015). Collection method: clinical testing. Allele origin: germline.
Comment: This sequence change replaces serine, which is neutral and polar, with isoleucine, which is neutral and non-polar, at codon 938 of the LYST protein (p.Ser938Ile). This variant is present in population databases (rs747587113, gnomAD 0.03%). This variant has not been reported in the literature in individuals affected with LYST-related conditions. ClinVar contains an entry for this variant (Variation ID: 2156593). Advanced modeling of protein sequence and biophysical properties (such as structural, functional, and spatial information, amino acid conservation, physicochemical variation, residue mobility, and thermodynamic stability) performed at Invitae indicates that this missense variant is not expected to disrupt LYST protein function with a negative predictive value of 80%. In summary, the available evidence is currently insufficient to determine the role of this variant in disease. Therefore, it has been classified as a Variant of Uncertain Significance.